The following is an entry in ClinVar:

NM_000540.3(RYR1):c.11135A>G (p.Glu3712Gly)

Gene: RYR1 (ryanodine receptor 1; plus strand). Cytogenetic location: 19q13.2.
Variant type: single nucleotide variant.
Coding change: c.11135A>G on transcript NM_000540.3 (MANE Select); coding-DNA position 11135, A replaced by G.
Protein change: p.Glu3712Gly; replaces glutamic acid 3712 with glycine.
Molecular consequence: missense variant.
Genome position (GRCh38, 1-based): chr19:38,529,051, A>G. VCF-style: chr19-38529051-A-G. GRCh37 (hg19) VCF-style: chr19-39019691-A-G.
Other names: c.11120A>G, p.Glu3707Gly (NM_001042723.2); short protein forms E3707G, E3712G.
Identifiers: ClinVar variation 2142940 (VCV002142940.3), dbSNP rs761514406, ClinGen allele CA055901.

ClinVar aggregate classification (germline): Uncertain significance. Review status: criteria provided, multiple submitters, no conflicts (2 of 4 stars). 3 submissions from 3 submitters: Uncertain significance (3). Last evaluated 2025-07-09.

Conditions:
RYR1-related disorder. Also called: RYR1-related condition; RYR1-related disorders. Identifiers: MedGen CN239331.
Malignant hyperthermia, susceptibility to, 1 (MHS1). Also called: RYR1-Related Malignant Hyperthermia Susceptibility; Malignant hyperthermia suceptibility 1; Anesthesia related hyperthermia; Malignant hyperpyrexia; Fulminating hyperpyrexia; Pharmacogenic myopathy. Identifiers: Orphanet 423, MedGen C2930980, MONDO:0007783, OMIM 145600.

Allele frequency attached by ClinVar (database versions not stated): ExAC 0.00001; gnomAD exomes 0.00002; TOPMed 0.00002.
gnomAD v4.1: 10 of 1,613,584 alleles (0.00062%); highest among the groups gnomAD compares: East Asian, 0.02%; 1 homozygote.

Submissions (3):

Color Diagnostics, LLC DBA Color Health
Classification: Uncertain significance for Malignant hyperthermia, susceptibility to, 1. Last evaluated: 2025-07-09. Review status: criteria provided, single submitter. Criteria: ACMG Guidelines, 2015. Collection method: clinical testing. Allele origin: germline.
Comment: This missense variant replaces glutamic acid with glycine at codon 3712 of the RYR1 protein. Computational prediction is inconclusive about the impact of this variant on protein structure and function. To our knowledge, functional studies have not been reported for this variant. This variant has not been reported in individuals affected with RYR1-related disorders in the literature. This variant has been identified in 6/248602 chromosomes in the general population by the Genome Aggregation Database (gnomAD). The available evidence is insufficient to determine the role of this variant in disease conclusively. Therefore, this variant is classified as a Variant of Uncertain Significance.

GeneDx
Classification: Uncertain significance. Last evaluated: 2024-12-16. Review status: criteria provided, single submitter. Criteria: GeneDx Variant Classification Process June 2021. Collection method: clinical testing. Allele origin: germline. Affected: yes.
Comment: In silico analysis supports that this missense variant has a deleterious effect on protein structure/function; Has not been previously published as pathogenic or benign to our knowledge

Labcorp Genetics (formerly Invitae), Labcorp
Classification: Uncertain significance for RYR1-related disorder. Last evaluated: 2022-03-27. Review status: criteria provided, single submitter. Criteria: Invitae Variant Classification Sherloc (09022015). Collection method: clinical testing. Allele origin: germline.
Comment: This sequence change replaces glutamic acid, which is acidic and polar, with glycine, which is neutral and non-polar, at codon 3712 of the RYR1 protein (p.Glu3712Gly). This variant is present in population databases (rs761514406, gnomAD 0.03%). This variant has not been reported in the literature in individuals affected with RYR1-related conditions. Advanced modeling of protein sequence and biophysical properties (such as structural, functional, and spatial information, amino acid conservation, physicochemical variation, residue mobility, and thermodynamic stability) performed at Invitae indicates that this missense variant is expected to disrupt RYR1 protein function. In summary, the available evidence is currently insufficient to determine the role of this variant in disease. Therefore, it has been classified as a Variant of Uncertain Significance.